The following is an entry in ClinVar:

NM_000540.3(RYR1):c.11049GGA[2] (p.Glu3687_Glu3689del)

Gene: RYR1 (ryanodine receptor 1; plus strand). Cytogenetic location: 19q13.2.
Variant type: Microsatellite.
Coding change: c.11049GGA[2] on transcript NM_000540.3 (MANE Select); two copies in a row of the 3-base unit GGA starting at c.11049; the reference has five copies in a row; three copies, 9 bases deleted; also written c.11055_11063del.
Protein change: p.Glu3687_Glu3689del.
Molecular consequence: inframe deletion.
Genome position (GRCh38, 1-based): chr19:38,528,971-38,528,979, GGAGGAGGA deleted; deleting any 9 consecutive bases within chr19:38,528,964-38,528,979 gives the same sequence; the position shown is the placement nearest the transcript's 3' end. VCF-style (leftmost placement, unchanged base first): chr19-38528963-CAGGAGGAGG-C. GRCh37 (hg19) VCF-style: chr19-39019603-CAGGAGGAGG-C.
Other names: c.11034GGA[2], p.Glu3682_Glu3684del (NM_001042723.2); c.11055_11063del (NM_000540.3).
Identifiers: ClinVar variation 1432488 (VCV001432488.8), dbSNP rs760784102, ClinGen allele CA2335067654.
Genomic context (GRCh38, chr19:38,528,963, plus strand): 5'-GGAGGGGACTCTAGAAACCCTCTCCCCAAGTCTCCCCTCTCCCACCAGAAAGCTGGGGAG[CAGGAGGAGG>C]AGGAGGAAGAGGTGGAAGAGAAGAAGCCAGACCCCCTGCACCAGTTGGTCCTGCACTTCA-3'

ClinVar aggregate classification (germline): Uncertain significance. Review status: criteria provided, multiple submitters, no conflicts (2 of 4 stars). 2 submissions from 2 submitters: Uncertain significance (2). Last evaluated 2022-01-04.

Conditions:
RYR1-related disorder. Also called: RYR1-related condition; RYR1-related disorders. Identifiers: MedGen CN239331.

Submissions (2):

Revvity Omics, Revvity
Classification: Uncertain significance. Last evaluated: 2022-01-04. Review status: criteria provided, single submitter. Criteria: ACMG Guidelines, 2015. Collection method: clinical testing. Allele origin: germline.

Labcorp Genetics (formerly Invitae), Labcorp
Classification: Uncertain significance for RYR1-related disorder. Last evaluated: 2021-08-01. Review status: criteria provided, single submitter. Criteria: Invitae Variant Classification Sherloc (09022015). Collection method: clinical testing. Allele origin: germline.
Comment: In summary, the available evidence is currently insufficient to determine the role of this variant in disease. Therefore, it has been classified as a Variant of Uncertain Significance. Experimental studies and prediction algorithms are not available or were not evaluated, and the functional significance of this variant is currently unknown. This variant has not been reported in the literature in individuals affected with RYR1-related conditions. This variant is not present in population databases (ExAC no frequency). This variant, c.11055_11063del, results in the deletion of 3 amino acid(s) of the RYR1 protein (p.Glu3687_Glu3689del), but otherwise preserves the integrity of the reading frame.